The following is an entry in ClinVar:

ClinVar aggregate classification (germline): Uncertain significance (1 of 4 stars; one submission).

Conditions:
Hereditary cancer-predisposing syndrome. Also called: Hereditary Cancer Syndrome; Hereditary neoplastic syndrome; Neoplastic Syndromes, Hereditary; Tumor predisposition. Identifiers: Orphanet 140162, MedGen C0027672, MeSH D009386, MONDO:0015356.

Submission:

Ambry Genetics
Classification: Uncertain significance for Hereditary cancer-predisposing syndrome. Last evaluated: 2025-05-19. Review status: criteria provided, single submitter. Criteria: Ambry Variant Classification Scheme 2023. Collection method: clinical testing. Allele origin: germline.
Comment: The p.K427R variant (also known as c.1280A>G), located in coding exon 13 of the RB1 gene, results from an A to G substitution at nucleotide position 1280. The lysine at codon 427 is replaced by arginine, an amino acid with highly similar properties. This amino acid position is conserved. In addition, the in silico prediction for this alteration is inconclusive. Since supporting evidence is limited at this time, the clinical significance of this alteration remains unclear.

NM_000321.3(RB1):c.1280A>G (p.Lys427Arg)

Gene: RB1 (RB transcriptional corepressor 1; plus strand). Cytogenetic location: 13q14.2.
Variant type: single nucleotide variant.
Coding change: c.1280A>G on transcript NM_000321.3 (MANE Select); coding-DNA position 1280, A replaced by G.
Protein change: p.Lys427Arg; replaces lysine 427 with arginine.
Molecular consequence: missense variant.
Genome position (GRCh38, 1-based): chr13:48,376,982, A>G. VCF-style: chr13-48376982-A-G. GRCh37 (hg19) VCF-style: chr13-48951118-A-G.
Other names: c.1280A>G, p.Lys427Arg (NM_001407165.1, NM_001407166.1); short protein forms K427R.
Identifiers: ClinVar variation 1767780 (VCV001767780.3), dbSNP rs778296403, ClinGen allele CA388162078.